The following is an entry in ClinVar:

ClinVar aggregate classification (germline): Uncertain significance (1 of 4 stars; one submission).

Conditions:
Inborn genetic diseases. Identifiers: MedGen C0950123, MeSH D030342.

Allele frequency attached by ClinVar (database versions not stated): TOPMed below 0.00001.

Submission:

Ambry Genetics
Classification: Uncertain significance for Inborn genetic diseases. Last evaluated: 2019-08-26. Review status: criteria provided, single submitter. Criteria: Ambry Variant Classification Scheme 2023. Collection method: clinical testing. Allele origin: germline.
Comment: The p.V229I variant (also known as c.685G>A), located in coding exon 4 of the DYNC1H1 gene, results from a G to A substitution at nucleotide position 685. The valine at codon 229 is replaced by isoleucine, an amino acid with highly similar properties. This amino acid position is highly conserved in available vertebrate species. In addition, this alteration is predicted to be tolerated by in silico analysis. Since supporting evidence is limited at this time, the clinical significance of this alteration remains unclear.

NM_001376.5(DYNC1H1):c.685G>A (p.Val229Ile)

Gene: DYNC1H1 (dynein cytoplasmic 1 heavy chain 1; plus strand). Cytogenetic location: 14q32.31.
Variant type: single nucleotide variant.
Coding change: c.685G>A on transcript NM_001376.5 (MANE Select); coding-DNA position 685, G replaced by A.
Protein change: p.Val229Ile; replaces valine 229 with isoleucine.
Molecular consequence: missense variant.
Genome position (GRCh38, 1-based): chr14:101,979,885, G>A. VCF-style: chr14-101979885-G-A. GRCh37 (hg19) VCF-style: chr14-102446222-G-A.
Other names: short protein forms V229I.
Identifiers: ClinVar variation 1755833 (VCV001755833.2), dbSNP rs2047843150, ClinGen allele CA391008680.
Genomic context (GRCh38, chr14:101,979,885, plus strand): 5'-ATTCATCCAATGATCACAAATGTTGCAAAACAGTGTTATGAGCGTGGAGAAAAGCCAAAA[G>A]TTACAGACTTTGGTGATAAGGTTGAAGACCCAACATTTCTTAATCAGTTACAATCTGGAG-3'
Protein context (NP_001367.2, residues 219-239): QCYERGEKPK[Val229Ile]TDFGDKVEDP